The following is an entry in ClinVar:

ClinVar aggregate classification (germline): Benign (1 of 4 stars; one submission).

Allele frequency attached by ClinVar (database versions not stated): TOPMed below 0.00001; 1000 Genomes Project 0.00040.

Submission:

CeGaT Center for Human Genetics Tuebingen
Classification: Benign. Last evaluated: 2022-10-01. Review status: criteria provided, single submitter. Criteria: CeGaT Center For Human Genetics Tuebingen Variant Classification Criteria Version 2. Collection method: clinical testing. Allele origin: germline. Affected: yes. Observed: 3 variant alleles.
Comment: SIK1: BS1, BS2

NC_000021.9:g.43403629G>A

Gene: SIK1 (salt inducible kinase 1; minus strand). Cytogenetic location: 21q22.3.
Variant type: single nucleotide variant.
Genome position: GRCh38 VCF-style: chr21-43403629-G-A. GRCh37 (hg19) VCF-style: chr21-44823509-G-A.
Identifiers: ClinVar variation 1879544 (VCV001879544.29), dbSNP rs554740985, ClinGen allele CA321320079.